The following is an entry in ClinVar:

NM_000257.4(MYH7):c.152T>C (p.Ile51Thr)

Gene: MYH7 (myosin heavy chain 7; minus strand). Cytogenetic location: 14q11.2.
Variant type: single nucleotide variant.
Coding change: c.152T>C on transcript NM_000257.4 (MANE Select); coding-DNA position 152, T replaced by C.
Protein change: p.Ile51Thr; replaces isoleucine 51 with threonine.
Molecular consequence: missense variant.
Genome position (GRCh38, 1-based): chr14:23,433,581, A>G on the plus strand (T>C on the coding strand, the complement: MYH7 is on the minus strand). VCF-style: chr14-23433581-A-G. GRCh37 (hg19) VCF-style: chr14-23902790-A-G.
Other names: short protein forms I51T.
Identifiers: ClinVar variation 1039458 (VCV001039458.10), dbSNP rs1893035421, ClinGen allele CA389053728.

ClinVar aggregate classification (germline): Uncertain significance (1 of 4 stars; one submission).

Conditions:
Hypertrophic cardiomyopathy. Also called: HYPERTROPHIC MYOCARDIOPATHY. Identifiers: Orphanet 217569, MedGen C0007194, MeSH D002312, MONDO:0005045, HP:0001639.

Allele frequency attached by ClinVar (database versions not stated): gnomAD exomes below 0.00001.

Submission:

Labcorp Genetics (formerly Invitae), Labcorp
Classification: Uncertain significance for Hypertrophic cardiomyopathy. Last evaluated: 2022-07-19. Review status: criteria provided, single submitter. Criteria: Invitae Variant Classification Sherloc (09022015). Collection method: clinical testing. Allele origin: germline.
Comment: In summary, the available evidence is currently insufficient to determine the role of this variant in disease. Therefore, it has been classified as a Variant of Uncertain Significance. Algorithms developed to predict the effect of missense changes on protein structure and function are either unavailable or do not agree on the potential impact of this missense change (SIFT: "Deleterious"; PolyPhen-2: "Probably Damaging"; Align-GVGD: "Class C0"). ClinVar contains an entry for this variant (Variation ID: 1039458). This variant has not been reported in the literature in individuals affected with MYH7-related conditions. This variant is not present in population databases (gnomAD no frequency). This sequence change replaces isoleucine, which is neutral and non-polar, with threonine, which is neutral and polar, at codon 51 of the MYH7 protein (p.Ile51Thr).